The following is an entry in ClinVar:

NM_004211.5(SLC6A5):c.1603A>T (p.Ile535Phe)

Gene: SLC6A5 (solute carrier family 6 member 5; plus strand). Cytogenetic location: 11p15.1.
Variant type: single nucleotide variant.
Coding change: c.1603A>T on transcript NM_004211.5 (MANE Select); coding-DNA position 1603, A replaced by T.
Protein change: p.Ile535Phe; replaces isoleucine 535 with phenylalanine.
Molecular consequence: missense variant.
Genome position (GRCh38, 1-based): chr11:20,630,794, A>T. VCF-style: chr11-20630794-A-T. GRCh37 (hg19) VCF-style: chr11-20652340-A-T.
Other names: c.901A>T, p.Ile301Phe (NM_001318369.2); short protein forms I301F, I535F.
Identifiers: ClinVar variation 1411379 (VCV001411379.6), dbSNP rs1853095196, ClinGen allele CA379917619.

ClinVar aggregate classification (germline): Uncertain significance (1 of 4 stars; one submission).

Conditions:
Hyperekplexia 3 (HKPX3). Also called: HYPEREKPLEXIA 3, AUTOSOMAL RECESSIVE; HYPEREKPLEXIA 3, AUTOSOMAL DOMINANT. Identifiers: Orphanet 3197, MedGen C3553288, MONDO:0013827, OMIM 614618.

Allele frequency attached by ClinVar (database versions not stated): TOPMed 0.00001.
gnomAD v4.1: 5 of 1,614,206 alleles (0.00031%); highest among the groups gnomAD compares: Admixed American, 0.0017%; no homozygotes.

Submission:

Labcorp Genetics (formerly Invitae), Labcorp
Classification: Uncertain significance for Hyperekplexia 3. Last evaluated: 2022-07-12. Review status: criteria provided, single submitter. Criteria: Invitae Variant Classification Sherloc (09022015). Collection method: clinical testing. Allele origin: germline.
Comment: This sequence change replaces isoleucine, which is neutral and non-polar, with phenylalanine, which is neutral and non-polar, at codon 535 of the SLC6A5 protein (p.Ile535Phe). In summary, the available evidence is currently insufficient to determine the role of this variant in disease. Therefore, it has been classified as a Variant of Uncertain Significance. Algorithms developed to predict the effect of missense changes on protein structure and function are either unavailable or do not agree on the potential impact of this missense change (SIFT: "Deleterious"; PolyPhen-2: "Probably Damaging"; Align-GVGD: "Class C0"). ClinVar contains an entry for this variant (Variation ID: 1411379). This variant has not been reported in the literature in individuals affected with SLC6A5-related conditions. This variant is not present in population databases (gnomAD no frequency).